The following is an entry in ClinVar:

ClinVar aggregate classification (germline): Pathogenic. Review status: criteria provided, multiple submitters, no conflicts (2 of 4 stars). 2 submissions from 2 submitters: Pathogenic (2). Last evaluated 2024-12-06.

Conditions:
Neurodevelopmental disorder with hypotonia and cerebellar atrophy, with or without seizures. Also called: GLYCOSYLPHOSPHATIDYLINOSITOL BIOSYNTHESIS DEFECT 22. Identifiers: MedGen C5394372, MONDO:0030037, OMIM 618879.

Submissions (2):

GeneDx
Classification: Pathogenic. Last evaluated: 2024-12-06. Review status: criteria provided, single submitter. Criteria: GeneDx Variant Classification Process June 2021. Collection method: clinical testing. Allele origin: germline. Affected: yes.
Comment: Nonsense variant predicted to result in protein truncation or nonsense mediated decay in a gene for which loss of function is a known mechanism of disease; Not observed at significant frequency in large population cohorts (gnomAD); Has not been previously published as pathogenic or benign to our knowledge

Women's Health and Genetics/Laboratory Corporation of America, LabCorp
Classification: Pathogenic for Neurodevelopmental disorder with hypotonia and cerebellar atrophy, with or without seizures. Last evaluated: 2024-04-19. Review status: criteria provided, single submitter. Criteria: LabCorp Variant Classification Summary - May 2015. Collection method: clinical testing. Allele origin: germline.
Comment: Variant summary: PIGK c.329_330insTT (p.Asn111X) results in a premature termination codon, predicted to cause a truncation of the encoded protein or absence of the protein due to nonsense mediated decay, which are commonly known mechanisms for disease. The variant allele was found at a frequency of 4.1e-06 in 246024 control chromosomes. To our knowledge, no occurrence of c.329_330insTT in individuals affected with Neurodevelopmental Disorder With Hypotonia And Cerebellar Atrophy, With Or Without Seizures and no experimental evidence demonstrating its impact on protein function have been reported. No submitters have cited clinical-significance assessments for this variant to ClinVar. Based on the evidence outlined above, the variant was classified as pathogenic.

NM_005482.3(PIGK):c.329_330insTT (p.Leu110_Asn111insTer)

Gene: PIGK (phosphatidylinositol glycan anchor biosynthesis class K; minus strand). Cytogenetic location: 1p31.1.
Variant type: Insertion.
Coding change: c.329_330insTT on transcript NM_005482.3 (MANE Select); coding-DNA positions 329 to 330, TT inserted.
Protein change: p.Leu110_Asn111insTer.
Molecular consequence: frameshift variant.
Genome position: GRCh38 VCF-style: chr1-77169305-T-TAA. GRCh37 (hg19) VCF-style: chr1-77634990-T-TAA.
Other names: c.329_330insTT (NM_005482.2).
Identifiers: ClinVar variation 3251832 (VCV003251832.2), dbSNP rs778946833.